The following is an entry in ClinVar:

NM_001111.5(ADAR):c.2912T>G (p.Leu971Arg)

Gene: ADAR (adenosine deaminase RNA specific; minus strand). Cytogenetic location: 1q21.3.
Variant type: single nucleotide variant.
Coding change: c.2912T>G on transcript NM_001111.5 (MANE Select); coding-DNA position 2912, T replaced by G.
Protein change: p.Leu971Arg; replaces leucine 971 with arginine.
Molecular consequence: missense variant.
Genome position (GRCh38, 1-based): chr1:154,588,232, A>C on the plus strand (T>G on the coding strand, the complement: ADAR is on the minus strand). VCF-style: chr1-154588232-A-C. GRCh37 (hg19) VCF-style: chr1-154560708-A-C.
Other names: c.2027T>G, p.Leu676Arg (NM_001025107.3, NM_001193495.2, NM_001365046.1 and 2 more transcripts); c.2939T>G, p.Leu980Arg (NM_001365045.1); c.1949T>G, p.Leu650Arg (NM_001365049.1); c.2834T>G, p.Leu945Arg (NM_015840.4); c.2777T>G, p.Leu926Arg (NM_015841.4); short protein forms L650R, L676R, L926R, L945R, L971R, L980R.
Identifiers: ClinVar variation 1713471 (VCV001713471.5), dbSNP rs2526487890, ClinGen allele CA342636155.

ClinVar aggregate classification (germline): Uncertain significance (1 of 4 stars; one submission).

Conditions:
Aicardi-Goutieres syndrome 6 (AGS6). Identifiers: Orphanet 51, MedGen C3539013, MONDO:0014007, OMIM 615010.
Symmetrical dyschromatosis of extremities (DSH). Also called: DYSCHROMATOSIS SYMMETRICA HEREDITARIA 1; Dyschromatosis symmetrica hereditaria; RETICULATE ACROPIGMENTATION OF DOHI; SYMMETRIC DYSCHROMATOSIS OF THE EXTREMITIES. Identifiers: Orphanet 41, MedGen C0406775, MONDO:0007483, OMIM 127400.

Submission:

Labcorp Genetics (formerly Invitae), Labcorp
Classification: Uncertain significance for Aicardi-Goutieres syndrome 6; Symmetrical dyschromatosis of extremities. Last evaluated: 2022-07-23. Review status: criteria provided, single submitter. Criteria: Invitae Variant Classification Sherloc (09022015). Collection method: clinical testing. Allele origin: germline.
Comment: In summary, the available evidence is currently insufficient to determine the role of this variant in disease. Therefore, it has been classified as a Variant of Uncertain Significance. This sequence change replaces leucine, which is neutral and non-polar, with arginine, which is basic and polar, at codon 971 of the ADAR protein (p.Leu971Arg). This variant is not present in population databases (gnomAD no frequency). This variant has not been reported in the literature in individuals affected with ADAR-related conditions. Algorithms developed to predict the effect of missense changes on protein structure and function (SIFT, PolyPhen-2, Align-GVGD) all suggest that this variant is likely to be disruptive.